The following is an entry in ClinVar:

ClinVar aggregate classification (germline): Likely benign (1 of 4 stars; one submission).

Conditions:
Sessile serrated polyposis cancer syndrome (SSPCS). Identifiers: Orphanet 157798, MedGen C4310714, MONDO:0014919, OMIM 617108.

gnomAD v4.1: 5 of 1,610,604 alleles (0.00031%); highest among the groups gnomAD compares: Non-Finnish European, 0.00042%; no homozygotes.

Submission:

Myriad Genetics, Inc.
Classification: Likely benign for Sessile serrated polyposis cancer syndrome. Last evaluated: 2026-06-26. Review status: criteria provided, single submitter. Criteria: Myriad Autosomal Dominant, Autosomal Recessive and X-Linked Classification Criteria (2023). Collection method: clinical testing. Allele origin: unknown.
Comment: This variant is considered likely benign. This variant is intronic and is not expected to impact mRNA splicing.

NM_017763.6(RNF43):c.952+8G>A

Gene: RNF43 (ring finger protein 43; minus strand). Cytogenetic location: 17q22.
Variant type: single nucleotide variant.
Coding change: c.952+8G>A on transcript NM_017763.6 (MANE Select); 8 bases into the intron after coding-DNA position 952, G replaced by A.
Molecular consequence: intron variant.
Genome position (GRCh38, 1-based): chr17:58,360,141, C>T on the plus strand (G>A on the coding strand, the complement: RNF43 is on the minus strand). VCF-style: chr17-58360141-C-T. GRCh37 (hg19) VCF-style: chr17-56437502-C-T.
Other names: c.952+8G>A (NM_001438822.1, NM_001305544.3, NM_001438820.1 and 1 more transcripts); c.571+8G>A (NM_001305545.2, NM_001437987.1).
Identifiers: ClinVar variation 4875713 (VCV004875713.1).